The following is an entry in ClinVar:

ClinVar aggregate classification (germline): Uncertain significance (1 of 4 stars; one submission).

Conditions:
Kilquist syndrome (KILQS). Also called: SLC12A2-related autosomal recessive neonatal-developmental delay-intellectual disability-feeding difficulty-sensorineural deafness syndrome. Identifiers: Orphanet 633021, MedGen C5436756, MONDO:0033664, OMIM 619080.
Hearing loss, autosomal dominant 78. Also called: DEAFNESS, AUTOSOMAL DOMINANT 78. Identifiers: MedGen C5436768, MONDO:0033665, OMIM 619081.
Delpire-McNeill syndrome. Also called: SLC12A2-related autosomal dominant infantile-developmental delay-intellectual disability-sensorineural deafness syndrome. Identifiers: Orphanet 633024, MedGen C5436771, MONDO:0033667, OMIM 619083.

Submission:

Juno Genomics, Hangzhou Juno Genomics, Inc
Classification: Uncertain significance for Hearing loss, autosomal dominant 78; Delpire-McNeill syndrome; Kilquist syndrome. Review status: criteria provided, single submitter. Criteria: ACMG Guidelines, 2015. Collection method: clinical testing. Allele origin: germline.
Comment: Absent from controls (or at extremely low frequency if recessive) in Genome Aggregation Database.;Multiple lines of computational evidence support a deleterious effect on the gene or gene product.

NM_001046.3(SLC12A2):c.2780A>T (p.Asp927Val)

Gene: SLC12A2 (solute carrier family 12 member 2; plus strand). Cytogenetic location: 5q23.3.
Variant type: single nucleotide variant.
Coding change: c.2780A>T on transcript NM_001046.3 (MANE Select); coding-DNA position 2780, A replaced by T.
Protein change: p.Asp927Val; replaces aspartic acid 927 with valine.
Molecular consequence: missense variant. On other transcripts: non-coding transcript variant (1).
Genome position (GRCh38, 1-based): chr5:128,171,723, A>T. VCF-style: chr5-128171723-A-T. GRCh37 (hg19) VCF-style: chr5-127507415-A-T.
Other names: c.2780A>T, p.Asp927Val (NM_001256461.2); short protein forms D927V.
Identifiers: ClinVar variation 5006828 (VCV005006828.2).